The following is an entry in ClinVar:

ClinVar aggregate classification (germline): Pathogenic (1 of 4 stars; one submission).

Submission:

Labcorp Genetics (formerly Invitae), Labcorp
Classification: Pathogenic. Last evaluated: 2022-01-13. Review status: criteria provided, single submitter. Criteria: Invitae Variant Classification Sherloc (09022015). Collection method: clinical testing. Allele origin: germline.
Comment: This sequence change creates a premature translational stop signal (p.Tyr279Metfs*13) in the FLVCR1 gene. It is expected to result in an absent or disrupted protein product. Loss-of-function variants in FLVCR1 are known to be pathogenic (PMID: 23591405, 27923065). This variant is not present in population databases (gnomAD no frequency). This variant has not been reported in the literature in individuals affected with FLVCR1-related conditions. For these reasons, this variant has been classified as Pathogenic.

Literature cited by the submitters: PubMed 23591405; PubMed 27923065.

NM_014053.4(FLVCR1):c.835del (p.Tyr279fs)

Gene: FLVCR1 (FLVCR choline and heme transporter 1; plus strand). Cytogenetic location: 1q32.3.
Variant type: Deletion.
Coding change: c.835del on transcript NM_014053.4 (MANE Select); coding-DNA position 835, one base deleted (T; older notation c.835delT).
Protein change: p.Tyr279fs; shifts the reading frame from tyrosine 279.
Molecular consequence: frameshift variant.
Genome position (GRCh38, 1-based): chr1:212,863,821, T deleted; the last of 4 consecutive T bases (chr1:212,863,818-212,863,821); deleting any one gives the same sequence. VCF-style (leftmost placement, unchanged base first): chr1-212863817-GT-G. GRCh37 (hg19) VCF-style: chr1-213037159-GT-G.
Other names: short protein forms Y279fs.
Identifiers: ClinVar variation 1451205 (VCV001451205.6), dbSNP rs2102536359, ClinGen allele CA2573131508.